The following is an entry in ClinVar:

ClinVar aggregate classification (germline): Uncertain significance. Review status: criteria provided, multiple submitters, no conflicts (2 of 4 stars). 2 submissions from 2 submitters: Uncertain significance (2). Last evaluated 2022-05-22.

Conditions:
Hereditary spastic paraplegia 64. Also called: Spastic paraplegia 64, autosomal recessive; ENTPD1-Related Neurodevelopmental Disorder. Identifiers: Orphanet 401810, MedGen C3810289, MONDO:0014303, OMIM 615683.
Inborn genetic diseases. Identifiers: MedGen C0950123, MeSH D030342.

Allele frequency attached by ClinVar (database versions not stated): TOPMed 0.00002; gnomAD exomes 0.00004; gnomAD 0.00003; ExAC 0.00004.

Submissions (2):

Labcorp Genetics (formerly Invitae), Labcorp
Classification: Uncertain significance for Hereditary spastic paraplegia 64. Last evaluated: 2022-05-22. Review status: criteria provided, single submitter. Criteria: Invitae Variant Classification Sherloc (09022015). Collection method: clinical testing. Allele origin: germline.
Comment: This sequence change replaces glutamic acid, which is acidic and polar, with glycine, which is neutral and non-polar, at codon 380 of the ENTPD1 protein (p.Glu380Gly). This variant is present in population databases (rs138049953, gnomAD 0.008%). This variant has not been reported in the literature in individuals affected with ENTPD1-related conditions. Algorithms developed to predict the effect of missense changes on protein structure and function are either unavailable or do not agree on the potential impact of this missense change (SIFT: "Deleterious"; PolyPhen-2: "Benign"; Align-GVGD: "Class C0"). Algorithms developed to predict the effect of sequence changes on RNA splicing suggest that this variant may disrupt the consensus splice site. In summary, the available evidence is currently insufficient to determine the role of this variant in disease. Therefore, it has been classified as a Variant of Uncertain Significance.

Ambry Genetics
Classification: Uncertain significance for Inborn genetic diseases. Last evaluated: 2021-08-02. Review status: criteria provided, single submitter. Criteria: Ambry Variant Classification Scheme 2023. Collection method: clinical testing. Allele origin: germline.

NM_001776.6(ENTPD1):c.1139A>G (p.Glu380Gly)

Genes: ENTPD1 (ectonucleoside triphosphate diphosphohydrolase 1; plus strand), ENTPD1-AS1 (ENTPD1 antisense RNA 1; minus strand). Cytogenetic location: 10q24.1.
Variant type: single nucleotide variant.
Coding change: c.1139A>G on transcript NM_001776.6 (MANE Select); coding-DNA position 1139, A replaced by G.
Protein change: p.Glu380Gly; replaces glutamic acid 380 with glycine.
Molecular consequence: missense variant.
Genome position (GRCh38, 1-based): chr10:95,860,533, A>G. VCF-style: chr10-95860533-A-G. GRCh37 (hg19) VCF-style: chr10-97620290-A-G.
Other names: c.1160A>G, p.Glu387Gly (NM_001098175.2); c.1175A>G, p.Glu392Gly (NM_001164178.1, NM_001320916.1); c.1016A>G, p.Glu339Gly (NM_001164179.2); c.815A>G, p.Glu272Gly (NM_001164181.1, NM_001312654.1); c.725A>G, p.Glu242Gly (NM_001164182.2, NM_001164183.2); short protein forms E272G, E242G, E339G, E380G, E387G, E392G.
Identifiers: ClinVar variation 2042078 (VCV002042078.2), dbSNP rs138049953, ClinGen allele CA5621553.
Genomic context (GRCh38, chr10:95,860,533, plus strand): 5'-TTTCAGCTTTTTACTTTGTGATGAAGTTTTTAAACTTGACATCAGAGAAAGTCTCTCAGG[A>G]AAAGGTGACTGAGATGATGAAAAAGTTCTGTGCTCAGCCTTGGGAGGAGGTAAGTGACTA-3'
Protein context (NP_001767.3, residues 370-390): LNLTSEKVSQ[Glu380Gly]KVTEMMKKFC